The following is an entry in ClinVar:

ClinVar aggregate classification (germline): Likely benign. Review status: criteria provided, multiple submitters, no conflicts (2 of 4 stars). 2 submissions from 2 submitters: Likely benign (2). Last evaluated 2025-09-22.

Allele frequency attached by ClinVar (database versions not stated): gnomAD exomes 0.00003; ExAC 0.00004; ESP Exome Variant Server 0.00008; 1000 Genomes Project 0.00020.

Submissions (2):

Labcorp Genetics (formerly Invitae), Labcorp
Classification: Likely benign. Last evaluated: 2025-09-22. Review status: criteria provided, single submitter. Criteria: Invitae Variant Classification Sherloc (09022015). Collection method: clinical testing. Allele origin: germline.

CeGaT Center for Human Genetics Tuebingen
Classification: Likely benign. Last evaluated: 2023-02-01. Review status: criteria provided, single submitter. Criteria: CeGaT Center For Human Genetics Tuebingen Variant Classification Criteria Version 2. Collection method: clinical testing. Allele origin: germline. Affected: yes. Observed: 1 variant allele.
Comment: ICOSLG: BP4, BP7

NM_015259.6(ICOSLG):c.156A>C (p.Val52=)

Gene: ICOSLG (inducible T cell costimulator ligand; minus strand). Cytogenetic location: 21q22.3.
Variant type: single nucleotide variant.
Coding change: c.156A>C on transcript NM_015259.6 (MANE Select); coding-DNA position 156, A replaced by C.
Protein change: p.Val52=; no amino-acid change (valine 52 retained).
Molecular consequence: synonymous variant. On other transcripts: intron variant (2).
Genome position (GRCh38, 1-based): chr21:44,237,117, T>G on the plus strand (A>C on the coding strand, the complement: ICOSLG is on the minus strand). VCF-style: chr21-44237117-T-G. GRCh37 (hg19) VCF-style: chr21-45657000-T-G.
Other names: c.156A>C, p.Val52= (NM_001283050.2); c.75A>C, p.Val25= (NM_001365759.2); c.55+1331A>C (NM_001283051.2); c.-48-52A>C (NM_001283052.2).
Identifiers: ClinVar variation 1551233 (VCV001551233.31), dbSNP rs149372524, ClinGen allele CA321498361.
Genomic context (GRCh38, chr21:44,237,117, plus strand): 5'-GGAGCTGTTCTGTGGGATGTGGTAGGTCACCACGGTTTTCGACTCACTGGTTTGCCAATA[T>G]ACGTAAACATCATTTAAATCAAAACGGCTTCCTTCAGGGCAAGCGCAGCTGAGCTCCACG-3'
Protein context (NP_056074.1, residues 42-62): GSRFDLNDVY[Val52=]YWQTSESKTV